The following is an entry in ClinVar:

ClinVar aggregate classification (germline): Uncertain significance (1 of 4 stars; one submission).

Conditions:
Primary ciliary dyskinesia. Also called: Ciliary dyskinesia. Identifiers: Orphanet 244, MedGen C0008780, MONDO:0016575, HP:0012265.

Allele frequency attached by ClinVar (database versions not stated): ExAC 0.00001; gnomAD exomes 0.00001.
gnomAD v4.1: 10 of 1,613,596 alleles (0.00062%); highest among the groups gnomAD compares: Non-Finnish European, 0.00085%; no homozygotes.

Submission:

Labcorp Genetics (formerly Invitae), Labcorp
Classification: Uncertain significance for Primary ciliary dyskinesia. Last evaluated: 2020-01-18. Review status: criteria provided, single submitter. Criteria: Invitae Variant Classification Sherloc (09022015). Collection method: clinical testing. Allele origin: germline.
Comment: This sequence change replaces tryptophan with leucine at codon 117 of the RSPH1 protein (p.Trp117Leu). The tryptophan residue is highly conserved and there is a small physicochemical difference between tryptophan and leucine. In summary, the available evidence is currently insufficient to determine the role of this variant in disease. Therefore, it has been classified as a Variant of Uncertain Significance. Algorithms developed to predict the effect of missense changes on protein structure and function (SIFT, PolyPhen-2, Align-GVGD) all suggest that this variant is likely to be disruptive, but these predictions have not been confirmed by published functional studies and their clinical significance is uncertain. This variant has not been reported in the literature in individuals with RSPH1-related conditions. This variant is present in population databases (rs758245475, ExAC 0.001%).

NM_080860.4(RSPH1):c.350G>T (p.Trp117Leu)

Gene: RSPH1 (radial spoke head component 1; minus strand). Cytogenetic location: 21q22.3.
Variant type: single nucleotide variant.
Coding change: c.350G>T on transcript NM_080860.4 (MANE Select); coding-DNA position 350, G replaced by T.
Protein change: p.Trp117Leu; replaces tryptophan 117 with leucine.
Molecular consequence: missense variant.
Genome position (GRCh38, 1-based): chr21:42,486,386, C>A on the plus strand (G>T on the coding strand, the complement: RSPH1 is on the minus strand). VCF-style: chr21-42486386-C-A. GRCh37 (hg19) VCF-style: chr21-43906496-C-A.
Other names: c.236G>T, p.Trp79Leu (NM_001286506.2); short protein forms W117L, W79L.
Identifiers: ClinVar variation 1024120 (VCV001024120.17), dbSNP rs758245475, ClinGen allele CA10043975.